The following is an entry in ClinVar:

NM_000046.5(ARSB):c.173del (p.Asn58fs)

Genes: ARSB (arylsulfatase B; minus strand), LOC129994126 (ATAC-STARR-seq lymphoblastoid silent region 16127; plus strand). Cytogenetic location: 5q14.1.
Variant type: Deletion.
Coding change: c.173del on transcript NM_000046.5 (MANE Select); coding-DNA position 173, one base deleted (A; older notation c.173delA).
Protein change: p.Asn58fs; shifts the reading frame from asparagine 58.
Molecular consequence: frameshift variant.
Genome position (GRCh38, 1-based): chr5:78,985,076, T deleted on the plus strand (A on the coding strand, the reverse complement: ARSB is on the minus strand); the first of 2 consecutive T bases (chr5:78,985,076-78,985,077); deleting either gives the same sequence. VCF-style (leftmost placement, unchanged base first): chr5-78985075-GT-G. GRCh37 (hg19) VCF-style: chr5-78280898-GT-G.
Other names: c.173del, p.Asn58fs (NM_198709.3); short protein forms N58fs.
Identifiers: ClinVar variation 1071912 (VCV001071912.10), dbSNP rs1180759765, ClinGen allele CA445104829.

ClinVar aggregate classification (germline): Pathogenic (1 of 4 stars; one submission).

Conditions:
Mucopolysaccharidosis type 6 (MPS6). Also called: ARSB DEFICIENCY; ARYLSULFATASE B DEFICIENCY; N-ACETYLGALACTOSAMINE-4-SULFATASE DEFICIENCY; MPS VI; MPS 6; Maroteaux Lamy syndrome. Identifiers: Orphanet 583, MedGen C0026709, MONDO:0009661, OMIM 253200.

Submission:

Labcorp Genetics (formerly Invitae), Labcorp
Classification: Pathogenic for Mucopolysaccharidosis type 6. Last evaluated: 2021-08-09. Review status: criteria provided, single submitter. Criteria: Invitae Variant Classification Sherloc (09022015). Collection method: clinical testing. Allele origin: germline.
Comment: This sequence change creates a premature translational stop signal (p.Asn58Thrfs*56) in the ARSB gene. It is expected to result in an absent or disrupted protein product. Loss-of-function variants in ARSB are known to be pathogenic (PMID: 17458871, 22133300). This variant is not present in population databases (ExAC no frequency). This variant has not been reported in the literature in individuals affected with ARSB-related conditions. ClinVar contains an entry for this variant (Variation ID: 1071912). For these reasons, this variant has been classified as Pathogenic.

Literature cited by the submitters: PubMed 17458871; PubMed 22133300.